The following is an entry in ClinVar:

ClinVar aggregate classification (germline): Uncertain significance. Review status: criteria provided, multiple submitters, no conflicts (2 of 4 stars). 2 submissions from 2 submitters: Uncertain significance (2). Last evaluated 2021-09-17.

Conditions:
MHC class II deficiency. Also called: BLS, TYPE II; Bare lymphocyte syndrome 2. Identifiers: Orphanet 572, MedGen C5447452, MONDO:0008855.
Rheumatoid arthritis (RA). Also called: RHEUMATOID ARTHRITIS, SUSCEPTIBILITY TO. Identifiers: MedGen C0003873, MONDO:0008383, OMIM 180300, HP:0001370.

Allele frequency attached by ClinVar (database versions not stated): TOPMed 0.00001.
gnomAD v4.1: 3 of 1,598,720 alleles (0.00019%); highest among the groups gnomAD compares: Middle Eastern, 0.033%; no homozygotes.

Submissions (2):

Labcorp Genetics (formerly Invitae), Labcorp
Classification: Uncertain significance for MHC class II deficiency. Last evaluated: 2021-09-17. Review status: criteria provided, single submitter. Criteria: Invitae Variant Classification Sherloc (09022015). Collection method: clinical testing. Allele origin: germline.
Comment: This sequence change replaces arginine with glycine at codon 839 of the CIITA protein (p.Arg839Gly). The arginine residue is moderately conserved and there is a moderate physicochemical difference between arginine and glycine. This variant is not present in population databases (ExAC no frequency). This variant has not been reported in the literature in individuals with CIITA-related conditions. Algorithms developed to predict the effect of missense changes on protein structure and function are either unavailable or do not agree on the potential impact of this missense change (SIFT: "Tolerated"; PolyPhen-2: "Possibly Damaging"; Align-GVGD: "Class C0"). In summary, the available evidence is currently insufficient to determine the role of this variant in disease. Therefore, it has been classified as a Variant of Uncertain Significance.

Fulgent Genetics
Classification: Uncertain significance for Rheumatoid arthritis; MHC class II deficiency 1. Last evaluated: 2021-07-02. Review status: criteria provided, single submitter. Criteria: ACMG Guidelines, 2015. Collection method: clinical testing. Allele origin: unknown.

NM_000246.4(CIITA):c.2515C>G (p.Arg839Gly)

Gene: CIITA (class II major histocompatibility complex transactivator; plus strand). Cytogenetic location: 16p13.13.
Variant type: single nucleotide variant.
Coding change: c.2515C>G on transcript NM_000246.4 (MANE Select); coding-DNA position 2515, C replaced by G.
Protein change: p.Arg839Gly; replaces arginine 839 with glycine.
Molecular consequence: missense variant. On other transcripts: intron variant (1).
Genome position (GRCh38, 1-based): chr16:10,908,007, C>G. VCF-style: chr16-10908007-C-G. GRCh37 (hg19) VCF-style: chr16-11001864-C-G.
Other names: c.2518C>G, p.Arg840Gly (NM_001286402.1, NM_001379332.1); c.2371C>G, p.Arg791Gly (NM_001379330.1); c.2368C>G, p.Arg790Gly (NM_001379331.1); c.2515C>G, p.Arg839Gly (NM_001379333.1); c.2446C>G, p.Arg816Gly (NM_001379334.1); c.860-976C>G (NM_001286403.2); short protein forms R791G, R839G, R790G, R840G, R816G.
Identifiers: ClinVar variation 1413877 (VCV001413877.6), dbSNP rs1175375174, ClinGen allele CA394733783.